The following is an entry in ClinVar:

ClinVar aggregate classification (germline): Uncertain significance (1 of 4 stars; one submission).

Submission:

GeneDx
Classification: Uncertain significance. Last evaluated: 2016-11-25. Review status: criteria provided, single submitter. Criteria: GeneDx Variant Classification (06012015). Collection method: clinical testing. Allele origin: germline. Affected: yes.
Comment: A variant of uncertain significance has been identified in the EHMT1 gene. The P1287L variant has not been published as a pathogenic variant, nor has it been reported as a benign variant to our knowledge. The P1287L variant is not observed in large population cohorts (Lek et al., 2016; McVean et al., 2012; Exome Variant Server). The P1287L variant is a semi-conservative amino acid substitution, which may impact secondary protein structure as these residues differ in some properties. This substitution occurs at a position that is conserved across species, and in silico analysis predicts this variant is probably damaging to the protein structure/function. Therefore, based on the currently available information, it is unclear whether this variant is a pathogenic variant or a rare benign variant.

NM_024757.5(EHMT1):c.3860C>T (p.Pro1287Leu)

Gene: EHMT1 (euchromatic histone lysine methyltransferase 1; plus strand). Cytogenetic location: 9q34.3.
Variant type: single nucleotide variant.
Coding change: c.3860C>T on transcript NM_024757.5 (MANE Select); coding-DNA position 3860, C replaced by T.
Protein change: p.Pro1287Leu; replaces proline 1287 with leucine.
Molecular consequence: missense variant.
Genome position (GRCh38, 1-based): chr9:137,834,916, C>T. VCF-style: chr9-137834916-C-T. GRCh37 (hg19) VCF-style: chr9-140729368-C-T.
Other names: c.3839C>T, p.Pro1280Leu (NM_001354263.2); short protein forms P1287L, P1280L.
Identifiers: ClinVar variation 373209 (VCV000373209.1), dbSNP rs1057518285, ClinGen allele CA16042774.